The following is an entry in ClinVar:

NM_012282.4(KCNE5):c.317G>C (p.Gly106Ala)

Gene: KCNE5 (potassium voltage-gated channel subfamily E regulatory subunit 5; minus strand). Cytogenetic location: Xq23.
Variant type: single nucleotide variant.
Coding change: c.317G>C on transcript NM_012282.4 (MANE Select); coding-DNA position 317, G replaced by C.
Protein change: p.Gly106Ala; replaces glycine 106 with alanine.
Molecular consequence: missense variant.
Genome position (GRCh38, 1-based): chrX:109,624,704, C>G on the plus strand (G>C on the coding strand, the complement: KCNE5 is on the minus strand). VCF-style: chrX-109624704-C-G. GRCh37 (hg19) VCF-style: chrX-108867933-C-G.
Other names: short protein forms G106A.
Identifiers: ClinVar variation 4807701 (VCV004807701.1).

ClinVar aggregate classification (germline): Uncertain significance (1 of 4 stars; one submission).

Conditions:
Brugada syndrome. Also called: Sudden unexpected nocturnal death syndrome; Sudden unexplained nocturnal death syndrome; Sudden Unexplained Death Syndrome; Sudden Unexplained Nocturnal Death Syndrome (SUNDS). Identifiers: Orphanet 130, MedGen C1142166, MONDO:0015263.

Submission:

Labcorp Genetics (formerly Invitae), Labcorp
Classification: Uncertain significance for Brugada syndrome. Last evaluated: 2025-02-17. Review status: criteria provided, single submitter. Criteria: Invitae Variant Classification Sherloc (09022015). Collection method: clinical testing. Allele origin: germline.
Comment: This sequence change replaces glycine, which is neutral and non-polar, with alanine, which is neutral and non-polar, at codon 106 of the KCNE5 protein (p.Gly106Ala). This variant is present in population databases (rs756286045, gnomAD 0.03%). This variant has not been reported in the literature in individuals affected with KCNE5-related conditions. An algorithm developed to predict the effect of missense changes on protein structure and function outputs the following: PolyPhen-2: "Benign". The alanine amino acid residue is found in multiple mammalian species, which suggests that this missense change does not adversely affect protein function. In summary, the available evidence is currently insufficient to determine the role of this variant in disease. Therefore, it has been classified as a Variant of Uncertain Significance.